The following is an entry in ClinVar:

NM_001366521.1(ATP2B1):c.937C>T (p.Gln313Ter)

Gene: ATP2B1 (ATPase plasma membrane Ca2+ transporting 1; minus strand). Cytogenetic location: 12q21.33.
Variant type: single nucleotide variant.
Coding change: c.937C>T on transcript NM_001366521.1 (MANE Select); coding-DNA position 937, C replaced by T.
Protein change: p.Gln313Ter; replaces glutamine 313 with a stop codon.
Molecular consequence: nonsense. On other transcripts: non-coding transcript variant (3), intron variant (6).
Genome position (GRCh38, 1-based): chr12:89,627,708, G>A on the plus strand (C>T on the coding strand, the complement: ATP2B1 is on the minus strand). VCF-style: chr12-89627708-G-A. GRCh37 (hg19) VCF-style: chr12-90021485-G-A.
Other names: c.739C>T, p.Gln247Ter (NM_001413053.1, NM_001366530.1); c.937C>T, p.Gln313Ter (NM_001413054.1, NM_001682.3, NM_001001323.2 and 13 more transcripts); c.796C>T, p.Gln266Ter (NM_001413055.1, NM_001413051.1, NM_001413052.1); c.682C>T, p.Gln228Ter (NM_001413056.1); c.484C>T, p.Gln162Ter (NM_001413057.1); c.407-1093C>T (NM_001413060.1, NM_001366531.1, NM_001413058.1 and 2 more transcripts); c.929-1093C>T (NM_001413048.1); short protein forms Q162*, Q228*, Q247*, Q266*, Q313*.
Identifiers: ClinVar variation 4074397 (VCV004074397.1).

ClinVar aggregate classification (germline): Pathogenic (1 of 4 stars; one submission).

Submission:

GeneDx
Classification: Pathogenic. Last evaluated: 2025-02-05. Review status: criteria provided, single submitter. Criteria: GeneDx Variant Classification Process June 2021. Collection method: clinical testing. Allele origin: germline. Affected: yes.
Comment: Nonsense variant predicted to result in protein truncation or nonsense mediated decay in a gene for which loss of function is a known mechanism of disease; Not observed at significant frequency in large population cohorts (gnomAD); Has not been previously published as pathogenic or benign to our knowledge